The following is an entry in ClinVar:

ClinVar aggregate classification (germline): Likely pathogenic (1 of 4 stars; one submission).

Conditions:
Autosomal recessive Alport syndrome (ATS2). Also called: Alport syndrome type 2; COL4A4 Alport Syndrome and Thin Basement Membrane Nephropathy; ALPORT SYNDROME 2, AUTOSOMAL RECESSIVE; COL4A3-Related Nephropathy. Identifiers: Orphanet 63, Orphanet 88919, MedGen C4746745, MONDO:0008762, OMIM 203780.

Submission:

Myriad Genetics, Inc.
Classification: Likely pathogenic for Autosomal recessive Alport syndrome. Last evaluated: 2021-12-16. Review status: criteria provided, single submitter. Criteria: Myriad Women's Health Autosomal Recessive and X-Linked Classification Criteria (2021). Collection method: clinical testing. Allele origin: unknown.
Comment: NM_000091.4(COL4A3):c.4298delG(G1433Efs*96) is expected to be pathogenic in the context of COL4A3-related Alport syndrome. This variant is predicted to lead to an abnormal or absent protein product due to the creation of a premature termination codon in COL4A3, a gene where loss-of-function variants are known to be pathogenic. Please note: this variant was assessed in the context of healthy population screening.

NM_000091.5(COL4A3):c.4298del (p.Gly1433fs)

Genes: MFF-DT (MFF divergent transcript; minus strand), COL4A3 (collagen type IV alpha 3 chain; plus strand). Cytogenetic location: 2q36.3.
Variant type: Deletion.
Coding change: c.4298del on transcript NM_000091.5 (MANE Select); coding-DNA position 4298, one base deleted (G; older notation c.4298delG).
Protein change: p.Gly1433fs; shifts the reading frame from glycine 1433.
Molecular consequence: frameshift variant.
Genome position (GRCh38, 1-based): chr2:227,307,755, G deleted; the last of 2 consecutive G bases (chr2:227,307,754-227,307,755); deleting either gives the same sequence. VCF-style (leftmost placement, unchanged base first): chr2-227307753-TG-T. GRCh37 (hg19) VCF-style: chr2-228172469-TG-T.
Other names: short protein forms G1433fs.
Identifiers: ClinVar variation 1726339 (VCV001726339.2), dbSNP rs2469930892, ClinGen allele CA2580065895.